The following is an entry in ClinVar:

NM_000095.3(COMP):c.1311_1316del (p.437DG[1])

Gene: COMP (cartilage oligomeric matrix protein; minus strand). Cytogenetic location: 19p13.11.
Variant type: Deletion.
Coding change: c.1311_1316del on transcript NM_000095.3 (MANE Select); coding-DNA positions 1311 to 1316, 6 bases deleted (TGGAGA; older notation c.1311_1316delTGGAGA).
Protein change: p.437DG[1].
Molecular consequence: inframe deletion.
Genome position (GRCh38, 1-based): chr19:18,786,138-18,786,143, TCTCCA deleted on the plus strand (TGGAGA on the coding strand, the reverse complement: COMP is on the minus strand); deleting any 6 consecutive bases within chr19:18,786,138-18,786,145 gives the same sequence; the c. name uses the placement nearest the transcript's 3' end. VCF-style (leftmost placement, unchanged base first): chr19-18786137-GTCTCCA-G. GRCh37 (hg19) VCF-style: chr19-18896947-GTCTCCA-G.
Identifiers: ClinVar variation 1493314 (VCV001493314.6), dbSNP rs2145900926, ClinGen allele CA2573156200.

ClinVar aggregate classification (germline): Likely pathogenic (1 of 4 stars; one submission).

Submission:

Labcorp Genetics (formerly Invitae), Labcorp
Classification: Likely pathogenic. Last evaluated: 2022-01-17. Review status: criteria provided, single submitter. Criteria: Invitae Variant Classification Sherloc (09022015). Collection method: clinical testing. Allele origin: germline.
Comment: This variant, c.1311_1316del, results in the deletion of 2 amino acid(s) of the COMP protein (p.Asp439_Gly440del), but otherwise preserves the integrity of the reading frame. This variant is not present in population databases (gnomAD no frequency). In summary, the currently available evidence indicates that the variant is pathogenic, but additional data are needed to prove that conclusively. Therefore, this variant has been classified as Likely Pathogenic. Experimental studies and prediction algorithms are not available or were not evaluated, and the functional significance of this variant is currently unknown. This variant has been observed in individual(s) with clinical features of epiphyseal dysplasia (Invitae). In at least one individual the variant was observed to be de novo.